The following is an entry in ClinVar:

NM_000179.3(MSH6):c.250G>T (p.Ala84Ser)

Genes: MSH6 (mutS homolog 6; plus strand), LOC129933707 (ATAC-STARR-seq lymphoblastoid silent region 11468; plus strand). Cytogenetic location: 2p16.3.
Variant type: single nucleotide variant.
Coding change: c.250G>T on transcript NM_000179.3 (MANE Select); coding-DNA position 250, G replaced by T.
Protein change: p.Ala84Ser; replaces alanine 84 with serine.
Molecular consequence: missense variant. On other transcripts: 5 prime UTR variant (7), non-coding transcript variant (5), intron variant (7).
Genome position (GRCh38, 1-based): chr2:47,783,483, G>T. VCF-style: chr2-47783483-G-T. GRCh37 (hg19) VCF-style: chr2-48010622-G-T.
Other names: c.-487G>T (NM_001281493.2, NM_001406811.1); c.250G>T, p.Ala84Ser (NM_001406795.1, NM_001406796.1, NM_001406798.1 and 8 more transcripts); c.-79G>T (NM_001406799.1); c.-679G>T (NM_001406807.1); c.-334G>T (NM_001406812.1); c.-745G>T (NM_001406814.1); c.-290G>T (NM_001406816.1); c.-38+252G>T (NM_001406805.1, NM_001406797.1, NM_001406801.1); and 4 more; short protein forms A84S.
Identifiers: ClinVar variation 4800178 (VCV004800178.1).
Genomic context (GRCh38, chr2:47,783,483, plus strand): 5'-GCGTCACCGCCCAAGGCGAAGAACCTCAACGGAGGGCTGCGGAGATCGGTAGCGCCTGCT[G>T]CCCCCACCAGGTAGCGGGGTGGGGGTGGGGTCGAAGGCGGGGGCATAGCGGCGGGGCGCT-3'
Protein context (NP_000170.1, residues 74-94): GGLRRSVAPA[Ala84Ser]PTSCDFSPGD

ClinVar aggregate classification (germline): Uncertain significance (1 of 4 stars; one submission).

Conditions:
Hereditary nonpolyposis colorectal neoplasms. Identifiers: MedGen C0009405, MeSH D003123.

Submission:

Labcorp Genetics (formerly Invitae), Labcorp
Classification: Uncertain significance for Hereditary nonpolyposis colorectal neoplasms. Last evaluated: 2025-10-18. Review status: criteria provided, single submitter. Criteria: Invitae Variant Classification Sherloc (09022015). Collection method: clinical testing. Allele origin: germline.
Comment: This sequence change replaces alanine, which is neutral and non-polar, with serine, which is neutral and polar, at codon 84 of the MSH6 protein (p.Ala84Ser). This variant is not present in population databases (gnomAD no frequency). This variant has not been reported in the literature in individuals affected with MSH6-related conditions. Invitae Evidence Modeling of protein sequence and biophysical properties (such as structural, functional, and spatial information, amino acid conservation, physicochemical variation, residue mobility, and thermodynamic stability) indicates that this missense variant is not expected to disrupt MSH6 protein function with a negative predictive value of 95%. In summary, the available evidence is currently insufficient to determine the role of this variant in disease. Therefore, it has been classified as a Variant of Uncertain Significance.